The following is an entry in ClinVar:

NM_000350.3(ABCA4):c.302+78C>T

Gene: ABCA4 (ATP binding cassette subfamily A member 4; minus strand). Cytogenetic location: 1p22.1.
Variant type: single nucleotide variant.
Coding change: c.302+78C>T on transcript NM_000350.3 (MANE Select); 78 bases into the intron after coding-DNA position 302, C replaced by T.
Molecular consequence: intron variant.
Genome position (GRCh38, 1-based): chr1:94,111,360, G>A on the plus strand (C>T on the coding strand, the complement: ABCA4 is on the minus strand). VCF-style: chr1-94111360-G-A. GRCh37 (hg19) VCF-style: chr1-94576916-G-A.
Other names: c.302+78C>T (NM_000350.2, NM_001425324.1).
Identifiers: ClinVar variation 4901214 (VCV004901214.2).

ClinVar aggregate classification (germline): Likely benign. Review status: criteria provided, multiple submitters, no conflicts (2 of 4 stars). 2 submissions from 2 submitters: Likely benign (2). Last evaluated 2025-03-22.

Conditions:
ABCA4-related disorder. Also called: ABCA4-related disorders; ABCA4-related condition. Identifiers: MedGen CN239167.

gnomAD v4.1: 106 of 1,554,866 alleles (0.0068%); highest among the groups gnomAD compares: African/African-American, 0.11%; no homozygotes.

Submissions (2):

PreventionGenetics, part of Exact Sciences
Classification: Likely benign for ABCA4-related condition. Last evaluated: 2025-03-22. Review status: criteria provided, single submitter. Criteria: ACMG Guidelines, 2015. Collection method: clinical testing. Allele origin: germline.
Comment: This variant is classified as likely benign based on ACMG/AMP sequence variant interpretation guidelines (Richards et al. 2015 PMID: 25741868, with internal and published modifications).

Blueprint Genetics
Classification: Likely benign. Last evaluated: 2024-03-08. Review status: criteria provided, single submitter. Criteria: ACMG Guidelines, 2015. Collection method: clinical testing. Allele origin: germline.